The following is an entry in ClinVar:

ClinVar aggregate classification (germline): Conflicting classifications of pathogenicity. Review status: criteria provided, conflicting classifications (1 of 4 stars). 8 submissions from 7 submitters: Uncertain significance (5); Benign (1); Likely benign (1). 1 of the submissions does not count toward it. Last evaluated 2025-12-15.

Conditions:
Familial thoracic aortic aneurysm and aortic dissection (TAAD). Also called: Thoracic aortic aneurysms and dissections. Identifiers: Orphanet 91387, MedGen C4707243, MONDO:0019625.
NOTCH1-related disorder. Also called: NOTCH1-related condition; NOTCH1-related disorders.
Adams-Oliver syndrome 5 (AOS5). Identifiers: Orphanet 974, MedGen C4014970, MONDO:0014459, OMIM 616028.
Aortic valve disease 1 (AOVD1). Identifiers: MedGen C3887892, MONDO:0024523, OMIM 109730.

Allele frequency attached by ClinVar (database versions not stated): gnomAD 0.00001; TOPMed 0.00001; gnomAD exomes 0.00005 and 0.00006; ExAC 0.00006.
gnomAD v4.1: 76 of 1,612,712 alleles (0.0047%); highest among the groups gnomAD compares: South Asian, 0.044%; no homozygotes.

Submissions (8):

Labcorp Genetics (formerly Invitae), Labcorp
Classification: Benign for Adams-Oliver syndrome 5. Last evaluated: 2025-12-15. Review status: criteria provided, single submitter. Criteria: Invitae Variant Classification Sherloc (09022015). Collection method: clinical testing. Allele origin: germline.

Ambry Genetics
Classification: Uncertain significance for Familial thoracic aortic aneurysm and aortic dissection. Last evaluated: 2024-07-15. Review status: criteria provided, single submitter. Criteria: Ambry Variant Classification Scheme 2023. Collection method: clinical testing. Allele origin: germline.

GeneDx
Classification: Uncertain significance. Last evaluated: 2022-09-01. Review status: criteria provided, single submitter. Criteria: GeneDx Variant Classification Process June 2021. Collection method: clinical testing. Allele origin: germline. Affected: yes.
Comment: In silico analysis supports that this missense variant has a deleterious effect on protein structure/function; Has not been previously published as pathogenic or benign to our knowledge

Blueprint Genetics
Classification: Likely benign. Last evaluated: 2022-08-26. Review status: criteria provided, single submitter. Criteria: ACMG Guidelines, 2015. Collection method: clinical testing. Allele origin: germline.

Genome-Nilou Lab
Classification: Uncertain significance for Adams-Oliver syndrome 5. Last evaluated: 2022-03-15. Review status: criteria provided, single submitter. Criteria: ACMG Guidelines, 2015. Collection method: clinical testing. Allele origin: germline. Affected: no.

Genome-Nilou Lab
Classification: Uncertain significance for Aortic valve disease 1. Last evaluated: 2022-03-15. Review status: criteria provided, single submitter. Criteria: ACMG Guidelines, 2015. Collection method: clinical testing. Allele origin: germline. Affected: no.

CHEO Genetics Diagnostic Laboratory, Children's Hospital of Eastern Ontario
Classification: Uncertain significance for Familial thoracic aortic aneurysm and aortic dissection. Last evaluated: 2019-04-24. Review status: criteria provided, single submitter. Criteria: ACMG Guidelines, 2015. Collection method: clinical testing. Allele origin: germline.

PreventionGenetics, part of Exact Sciences
Classification: Uncertain significance for NOTCH1-related condition. Last evaluated: 2024-03-06. Review status: no assertion criteria provided. Collection method: clinical testing. Allele origin: germline. Not counted in ClinVar's aggregate classification.
Comment: The NOTCH1 c.4451A>G variant is predicted to result in the amino acid substitution p.Asn1484Ser. To our knowledge, this variant has not been reported in individuals with NOTCH1-related disease. This variant is reported in 0.029% of alleles in individuals of South Asian descent in gnomAD. Although we suspect that this variant may be benign, at this time, the clinical significance of this variant is uncertain due to the absence of conclusive functional and genetic evidence.

NM_017617.5(NOTCH1):c.4451A>G (p.Asn1484Ser)

Gene: NOTCH1 (notch receptor 1; minus strand). Cytogenetic location: 9q34.3.
Variant type: single nucleotide variant.
Coding change: c.4451A>G on transcript NM_017617.5 (MANE Select); coding-DNA position 4451, A replaced by G.
Protein change: p.Asn1484Ser; replaces asparagine 1484 with serine.
Molecular consequence: missense variant.
Genome position (GRCh38, 1-based): chr9:136,505,445, T>C on the plus strand (A>G on the coding strand, the complement: NOTCH1 is on the minus strand). VCF-style: chr9-136505445-T-C. GRCh37 (hg19) VCF-style: chr9-139399897-T-C.
Other names: c.4451A>G, p.Asn1484Ser (LRG_1122t1); c.4451A>G (NM_017617.4); short protein forms N1484S.
Identifiers: ClinVar variation 626870 (VCV000626870.14), dbSNP rs759828439, ClinGen allele CA5340614.